The following is an entry in ClinVar:

ClinVar aggregate classification (germline): Uncertain significance (1 of 4 stars; one submission).

gnomAD v4.1: 6 of 1,612,692 alleles (0.00037%); highest among the groups gnomAD compares: Non-Finnish European, 0.00051%; no homozygotes.

Submission:

Labcorp Genetics (formerly Invitae), Labcorp
Classification: Uncertain significance. Last evaluated: 2025-10-18. Review status: criteria provided, single submitter. Criteria: Invitae Variant Classification Sherloc (09022015). Collection method: clinical testing. Allele origin: germline.
Comment: This sequence change replaces aspartic acid, which is acidic and polar, with histidine, which is basic and polar, at codon 1276 of the CDK13 protein (p.Asp1276His). This variant is not present in population databases (gnomAD no frequency). This variant has not been reported in the literature in individuals affected with CDK13-related conditions. Invitae Evidence Modeling of protein sequence and biophysical properties (such as structural, functional, and spatial information, amino acid conservation, physicochemical variation, residue mobility, and thermodynamic stability) has been performed for this missense variant. However, the output from this modeling did not meet the statistical confidence thresholds required to predict the impact of this variant on CDK13 protein function. In summary, the available evidence is currently insufficient to determine the role of this variant in disease. Therefore, it has been classified as a Variant of Uncertain Significance.

NM_003718.5(CDK13):c.3826G>C (p.Asp1276His)

Gene: CDK13 (cyclin dependent kinase 13; plus strand). Cytogenetic location: 7p14.1.
Variant type: single nucleotide variant.
Coding change: c.3826G>C on transcript NM_003718.5 (MANE Select); coding-DNA position 3826, G replaced by C.
Protein change: p.Asp1276His; replaces aspartic acid 1276 with histidine.
Molecular consequence: missense variant.
Genome position (GRCh38, 1-based): chr7:40,094,267, G>C. VCF-style: chr7-40094267-G-C. GRCh37 (hg19) VCF-style: chr7-40133866-G-C.
Other names: c.3646G>C, p.Asp1216His (NM_031267.4); short protein forms D1216H, D1276H.
Identifiers: ClinVar variation 4761626 (VCV004761626.1).
Genomic context (GRCh38, chr7:40,094,267, plus strand): 5'-CCTCCTGACCAACGACCTCCCGAGCCTCCTGAACCACCACCAGTCACTGAGGAAGATCTA[G>C]ATTATCGGACAGAAAACCAGCATGTACCCACCACCAGTTCTTCATTAACTGACCCTCATG-3'
Protein context (NP_003709.3, residues 1266-1286): EPPPVTEEDL[Asp1276His]YRTENQHVPT